The following is an entry in ClinVar:

NM_005036.6(PPARA):c.680T>C (p.Val227Ala)

Gene: PPARA (peroxisome proliferator activated receptor alpha; plus strand). Cytogenetic location: 22q13.31.
Variant type: single nucleotide variant.
Coding change: c.680T>C on transcript NM_005036.6 (MANE Select); coding-DNA position 680, T replaced by C.
Protein change: p.Val227Ala; replaces valine 227 with alanine.
Molecular consequence: missense variant. On other transcripts: intron variant (1).
Genome position (GRCh38, 1-based): chr22:46,219,983, T>C. VCF-style: chr22-46219983-T-C. GRCh37 (hg19) VCF-style: chr22-46615880-T-C.
Other names: c.680T>C, p.Val227Ala (NM_001001928.4, NM_001001929.3, NM_001362872.2 and 7 more transcripts); c.508+1582T>C (NM_001393947.1); short protein forms V227A.
Identifiers: ClinVar variation 770476 (VCV000770476.7), dbSNP rs1800234, ClinGen allele CA10289019.

ClinVar aggregate classification (germline): Benign. Review status: criteria provided, multiple submitters, no conflicts (2 of 4 stars). 3 submissions from 3 submitters: Benign (2). 1 of the submissions does not count toward it. Last evaluated 2019-12-31.

Conditions:
PPARA-related disorder. Also called: PPARA-related condition.

Allele frequency attached by ClinVar (database versions not stated): ESP Exome Variant Server 0.00062; gnomAD 0.00427 and 0.00503; TOPMed 0.00811; 1000 Genomes Project 30x 0.01686; 1000 Genomes Project 0.01697.
gnomAD v4.1: 5,867 of 1,614,026 alleles (0.36%); highest among the groups gnomAD compares: East Asian, 4.9%; 145 homozygotes.

Submissions (3):

Labcorp Genetics (formerly Invitae), Labcorp
Classification: Benign. Last evaluated: 2019-12-31. Review status: criteria provided, single submitter. Criteria: Invitae Variant Classification Sherloc (09022015). Collection method: clinical testing. Allele origin: germline.

Breakthrough Genomics
Classification: Benign. Review status: criteria provided, single submitter. Criteria: ACMG Guidelines, 2015. Collection method: not provided. Allele origin: germline. Inheritance: Unknown mechanism. Affected: yes.

PreventionGenetics, part of Exact Sciences
Classification: Benign for PPARA-related condition. Last evaluated: 2020-01-27. Review status: no assertion criteria provided. Collection method: clinical testing. Allele origin: germline. Not counted in ClinVar's aggregate classification.
Comment: This variant is classified as benign based on ACMG/AMP sequence variant interpretation guidelines (Richards et al. 2015 PMID: 25741868, with internal and published modifications).